The following is an entry in ClinVar:

NM_032119.4(ADGRV1):c.12464C>T (p.Pro4155Leu)

Gene: ADGRV1 (adhesion G protein-coupled receptor V1; plus strand). Cytogenetic location: 5q14.3.
Variant type: single nucleotide variant.
Coding change: c.12464C>T on transcript NM_032119.4 (MANE Select); coding-DNA position 12464, C replaced by T.
Protein change: p.Pro4155Leu; replaces proline 4155 with leucine.
Molecular consequence: missense variant. On other transcripts: non-coding transcript variant (1).
Genome position (GRCh38, 1-based): chr5:90,776,513, C>T. VCF-style: chr5-90776513-C-T. GRCh37 (hg19) VCF-style: chr5-90072330-C-T.
Other names: short protein forms P4155L.
Identifiers: ClinVar variation 596494 (VCV000596494.20), dbSNP rs765063091, ClinGen allele CA3341249.

ClinVar aggregate classification (germline): Conflicting classifications of pathogenicity. Review status: criteria provided, conflicting classifications (1 of 4 stars). 6 submissions from 6 submitters: Uncertain significance (5); Likely benign (1). Last evaluated 2026-07-01.

Conditions:
Febrile seizures, familial, 4 (FEB4). Also called: CONVULSIONS, FAMILIAL FEBRILE, 4. Identifiers: MedGen C1858493, MONDO:0011443, OMIM 604352.
Usher syndrome type 2C. Also called: Usher syndrome, type 2B; USHER SYNDROME, TYPE IIC. Identifiers: Orphanet 231178, Orphanet 886, MedGen C2931213, MONDO:0011558, OMIM 605472.
ADGRV1-related disorder. Also called: ADGRV1-related condition; ADGRV1-related disorders.

Allele frequency attached by ClinVar (database versions not stated): gnomAD 0.00003 and 0.00004; gnomAD exomes 0.00005 and 0.00009; ExAC 0.00007; TOPMed 0.00007.
gnomAD v4.1: 83 of 1,613,000 alleles (0.0051%); highest among the groups gnomAD compares: Middle Eastern, 0.082%; no homozygotes.

Submissions (6):

GeneDx
Classification: Uncertain significance. Last evaluated: 2026-07-01. Review status: criteria provided, single submitter. Criteria: GeneDx Variant Classification Process June 2021. Collection method: clinical testing. Allele origin: germline.
Comment: Identified in a patient with bilateral hearing loss and variants in additional genes in published literature (PMID: 34515852); In silico analysis supports that this missense variant has a deleterious effect on protein structure/function; This variant is associated with the following publications: (PMID: 34515852)

PreventionGenetics, part of Exact Sciences
Classification: Uncertain significance for ADGRV1-related condition. Last evaluated: 2026-06-24. Review status: criteria provided, single submitter. Criteria: ACMG Guidelines, 2015. Collection method: clinical testing. Allele origin: germline.
Comment: The ADGRV1 c.12464C>T variant is predicted to result in the amino acid substitution p.Pro4155Leu. To our knowledge, this variant has not been reported in the literature. This variant is reported in 0.026% of alleles in individuals of Latino descent in gnomAD. At this time, the clinical significance of this variant is uncertain due to the absence of conclusive functional and genetic evidence.

Labcorp Genetics (formerly Invitae), Labcorp
Classification: Likely benign. Last evaluated: 2025-12-17. Review status: criteria provided, single submitter. Criteria: Invitae Variant Classification Sherloc (09022015). Collection method: clinical testing. Allele origin: germline.

Fulgent Genetics
Classification: Uncertain significance for Febrile seizures, familial, 4; Usher syndrome type 2C. Last evaluated: 2021-09-23. Review status: criteria provided, single submitter. Criteria: ACMG Guidelines, 2015. Collection method: clinical testing. Allele origin: unknown.

Eurofins Ntd Llc (ga)
Classification: Uncertain significance. Last evaluated: 2018-04-03. Review status: criteria provided, single submitter. Criteria: EGL ClinVar v180209 classification definitions. Collection method: clinical testing. Allele origin: germline. Observed: 1 variant allele, 1 heterozygote.

Illumina Laboratory Services, Illumina
Classification: Uncertain significance for Usher syndrome type 2C. Last evaluated: 2018-01-13. Review status: criteria provided, single submitter. Criteria: ICSL Variant Classification Criteria 13 December 2019. Collection method: clinical testing. Allele origin: germline.